The following is an entry in ClinVar:

ClinVar aggregate classification (germline): Uncertain significance (0 of 4 stars; one submission).

Conditions:
EP300-related disorder. Also called: EP300-related disorders; EP300-related condition.

gnomAD v4.1: 2 of 1,614,106 alleles (0.00012%); highest among the groups gnomAD compares: African/African-American, 0.0013%; no homozygotes.

Submission:

PreventionGenetics, part of Exact Sciences
Classification: Uncertain significance for EP300-related condition. Last evaluated: 2024-02-20. Review status: no assertion criteria provided. Collection method: clinical testing. Allele origin: germline.
Comment: The EP300 c.1969A>G variant is predicted to result in the amino acid substitution p.Met657Val. To our knowledge, this variant has not been reported in the literature. This variant is reported in 0.0040% of alleles in individuals of African descent in gnomAD. At this time, the clinical significance of this variant is uncertain due to the absence of conclusive functional and genetic evidence.

NM_001429.4(EP300):c.1969A>G (p.Met657Val)

Gene: EP300 (E1A binding protein p300; plus strand). Cytogenetic location: 22q13.2.
Variant type: single nucleotide variant.
Coding change: c.1969A>G on transcript NM_001429.4 (MANE Select); coding-DNA position 1969, A replaced by G.
Protein change: p.Met657Val; replaces methionine 657 with valine.
Molecular consequence: missense variant.
Genome position (GRCh38, 1-based): chr22:41,141,138, A>G. VCF-style: chr22-41141138-A-G. GRCh37 (hg19) VCF-style: chr22-41537142-A-G.
Other names: c.1969A>G, p.Met657Val (NM_001362843.2); short protein forms M657V.
Identifiers: ClinVar variation 3357939 (VCV003357939.1).
Genomic context (GRCh38, chr22:41,141,138, plus strand): 5'-ATCTATAAGATCCAGAAAGAACTAGAAGAAAAACGAAGGACCAGACTACAGAAGCAGAAC[A>G]TGCTACCAAATGCTGCAGGCATGGTTCCAGTTTCCATGAATCCAGGGCCTAACATGGGAC-3'
Protein context (NP_001420.2, residues 647-667): KRRTRLQKQN[Met657Val]LPNAAGMVPV